The following is an entry in ClinVar:

ClinVar aggregate classification (germline): Uncertain significance (1 of 4 stars; one submission).

Conditions:
Inborn genetic diseases. Identifiers: MedGen C0950123, MeSH D030342.

Submission:

Ambry Genetics
Classification: Uncertain significance for Inborn genetic diseases. Last evaluated: 2025-07-12. Review status: criteria provided, single submitter. Criteria: Ambry Variant Classification Scheme 2023. Collection method: clinical testing. Allele origin: germline.
Comment: The p.A801G variant (also known as c.2402C>G), located in coding exon 20 of the KDM1A gene, results from a C to G substitution at nucleotide position 2402. The alanine at codon 801 is replaced by glycine, an amino acid with similar properties. This amino acid position is conserved. In addition, this alteration is predicted to be deleterious by in silico analysis. Based on the available evidence, the clinical significance of this variant remains unclear.

NM_001009999.3(KDM1A):c.2402C>G (p.Ala801Gly)

Gene: KDM1A (lysine demethylase 1A; plus strand). Cytogenetic location: 1p36.12.
Variant type: single nucleotide variant.
Coding change: c.2402C>G on transcript NM_001009999.3 (MANE Select); coding-DNA position 2402, C replaced by G.
Protein change: p.Ala801Gly; replaces alanine 801 with glycine.
Molecular consequence: missense variant.
Genome position (GRCh38, 1-based): chr1:23,082,323, C>G. VCF-style: chr1-23082323-C-G. GRCh37 (hg19) VCF-style: chr1-23408816-C-G.
Other names: c.2348C>G, p.Ala783Gly (NM_001363654.2); c.2408C>G, p.Ala803Gly (NM_001410762.1); c.2330C>G, p.Ala777Gly (NM_001410763.1, NM_015013.4); short protein forms A777G, A801G, A803G, A783G.
Identifiers: ClinVar variation 4091054 (VCV004091054.1).